The following is an entry in ClinVar:

NM_001308147.2(PLEKHG3):c.3510G>T (p.Pro1170=)

Gene: PLEKHG3 (pleckstrin homology and RhoGEF domain containing G3; plus strand). Cytogenetic location: 14q23.3.
Variant type: single nucleotide variant.
Coding change: c.3510G>T on transcript NM_001308147.2 (MANE Select); coding-DNA position 3510, G replaced by T.
Protein change: p.Pro1170=; no amino-acid change (proline 1170 retained).
Molecular consequence: synonymous variant.
Genome position (GRCh38, 1-based): chr14:64,743,553, G>T. VCF-style: chr14-64743553-G-T. GRCh37 (hg19) VCF-style: chr14-65210271-G-T.
Identifiers: ClinVar variation 2644316 (VCV002644316.24), dbSNP rs774358730, ClinGen allele CA486967495.
Genomic context (GRCh38, chr14:64,743,553, plus strand): 5'-ACCCCTTCCCAGCCCCACTGCAGGGCTGGAGGAGAGCAGTGGCCAGGGACCAAGCTCACC[G>T]GTGGCCCTGCTGGGGCAGGTTCAGGACTTCCAGCAGTCTGCAGAGTGCCAGCCGAAGGAA-3'
Protein context (NP_001295076.1, residues 1160-1180): EESSGQGPSS[Pro1170=]VALLGQVQDF

ClinVar aggregate classification (germline): Likely benign (1 of 4 stars; one submission).

gnomAD v4.1: 1 of 1,612,810 alleles (0.000062%); highest among the groups gnomAD compares: Non-Finnish European, 0.000085%; no homozygotes.

Submission:

CeGaT Center for Human Genetics Tuebingen
Classification: Likely benign. Last evaluated: 2022-05-01. Review status: criteria provided, single submitter. Criteria: CeGaT Center For Human Genetics Tuebingen Variant Classification Criteria Version 2. Collection method: clinical testing. Allele origin: germline. Affected: yes. Observed: 1 variant allele.
Comment: PLEKHG3: BP4, BP7